The following is an entry in ClinVar:

NM_001267550.2(TTN):c.17842A>G (p.Ile5948Val)

Gene: TTN (titin; minus strand). Cytogenetic location: 2q31.2.
Variant type: single nucleotide variant.
Coding change: c.17842A>G on transcript NM_001267550.2 (MANE Select); coding-DNA position 17842, A replaced by G.
Protein change: p.Ile5948Val; replaces isoleucine 5948 with valine.
Molecular consequence: missense variant. On other transcripts: intron variant (3).
Genome position (GRCh38, 1-based): chr2:178,730,691, T>C on the plus strand (A>G on the coding strand, the complement: TTN is on the minus strand). VCF-style: chr2-178730691-T-C. GRCh37 (hg19) VCF-style: chr2-179595418-T-C.
Other names: c.16891A>G, p.Ile5631Val (NM_001256850.1); c.14110A>G, p.Ile4704Val (NM_133378.4); c.13282+7391A>G (NM_003319.4); c.13858+7391A>G (NM_133437.4); c.13657+7391A>G (NM_133432.3); short protein forms I4704V, I5631V, I5948V.
Identifiers: ClinVar variation 1309547 (VCV001309547.2), dbSNP rs780320662, ClinGen allele CA2001731.
Genomic context (GRCh38, chr2:178,730,691, plus strand): 5'-AGAATTTGTACTTTTCACTAGCTGATATTTCTTGGTCATCTTTGAACCACTGGATGCTTA[T>C]GGGATGTGACCCAGCCACTATACATTCTAAATCAATGAAAGAACCTTTAATGCTGTCCAT-3'
Protein context (NP_001254479.2, residues 5938-5958): LECIVAGSHP[Ile5948Val]SIQWFKDDQE

ClinVar aggregate classification (germline): Uncertain significance (1 of 4 stars; one submission).

Allele frequency attached by ClinVar (database versions not stated): gnomAD exomes below 0.00001 and 0.00001; gnomAD 0.00001; TOPMed 0.00001.
gnomAD v4.1: 11 of 1,613,548 alleles (0.00068%); highest among the groups gnomAD compares: African/African-American, 0.0013%; no homozygotes.

Submission:

GeneDx
Classification: Uncertain significance. Last evaluated: 2019-10-18. Review status: criteria provided, single submitter. Criteria: GeneDx Variant Classification Process June 2021. Collection method: clinical testing. Allele origin: germline. Affected: yes.
Comment: Has not been previously published as pathogenic or benign to our knowledge; Not observed at a significant frequency in large population cohorts (Lek et al., 2016); At the mRNA level, in silico analysis, which includes splice predictors and evolutionary conservation, supports a deleterious effect